The following is an entry in ClinVar:

ClinVar aggregate classification (germline): Conflicting classifications of pathogenicity. Review status: criteria provided, conflicting classifications (1 of 4 stars). 3 submissions from 2 submitters: Uncertain significance (2); Likely benign (1). Last evaluated 2022-06-07.

Conditions:
Craniosynostosis 2 (CRS2). Also called: Warman-Mulliken-Hayward syndrome; Craniosynostosis Warman type; Craniosynostosis Boston type. Identifiers: Orphanet 1541, MedGen C1858160, MONDO:0011481, OMIM 604757.
Parietal foramina 1 (PFM1). Also called: FORAMINA PARIETALIA PERMAGNA; PARIETAL FORAMINA, SYMMETRIC. Identifiers: Orphanet 60015, MedGen C1868599, MONDO:0008197, OMIM 168500.

Allele frequency attached by ClinVar (database versions not stated): gnomAD exomes 0.00002; TOPMed 0.00002; ExAC 0.00003; gnomAD 0.00005; ESP Exome Variant Server 0.00008.

Submissions (3):

Revvity Omics, Revvity
Classification: Uncertain significance. Last evaluated: 2022-06-07. Review status: criteria provided, single submitter. Criteria: ACMG Guidelines, 2015. Collection method: clinical testing. Allele origin: germline.

Illumina Laboratory Services, Illumina
Classification: Uncertain significance for Parietal foramina 1. Last evaluated: 2018-01-12. Review status: criteria provided, single submitter. Criteria: ICSL Variant Classification Criteria 13 December 2019. Collection method: clinical testing. Allele origin: germline.

Illumina Laboratory Services, Illumina
Classification: Likely benign for Craniosynostosis 2. Last evaluated: 2018-01-12. Review status: criteria provided, single submitter. Criteria: ICSL Variant Classification Criteria 13 December 2019. Collection method: clinical testing. Allele origin: germline.
Comment: This variant was observed in the ICSL laboratory as part of a predisposition screen in an ostensibly healthy population. It had not been previously curated by ICSL or reported in the Human Gene Mutation Database (HGMD: prior to June 1st, 2018), and was therefore a candidate for classification through an automated scoring system. Utilizing variant allele frequency, disease prevalence and penetrance estimates, and inheritance mode, an automated score was calculated to assess if this variant is too frequent to cause the disease. Based on the score and internal cut-off values, a variant classified as likely benign is not then subjected to further curation. The score for this variant resulted in a classification of likely benign for this disease.

NM_002449.5(MSX2):c.*46G>T

Gene: MSX2 (msh homeobox 2; plus strand). Cytogenetic location: 5q35.2.
Variant type: single nucleotide variant.
Coding change: c.*46G>T on transcript NM_002449.5 (MANE Select); 46 bases downstream of the stop codon, G replaced by T.
Molecular consequence: 3 prime UTR variant.
Genome position (GRCh38, 1-based): chr5:174,729,629, G>T. VCF-style: chr5-174729629-G-T. GRCh37 (hg19) VCF-style: chr5-174156632-G-T.
Other names: c.*474G>T (NM_001363626.2).
Identifiers: ClinVar variation 352839 (VCV000352839.7), dbSNP rs375964205, ClinGen allele CA3565280.